The following is an entry in ClinVar:

ClinVar aggregate classification (germline): Pathogenic (1 of 4 stars; one submission).

Conditions:
Combined immunodeficiency due to LRBA deficiency. Also called: Common variable immunodeficiency 8, with autoimmunity. Identifiers: Orphanet 445018, MedGen C3553512, MONDO:0013863, OMIM 614700.

Submission:

3billion
Classification: Pathogenic for Combined immunodeficiency due to LRBA deficiency. Last evaluated: 2023-08-08. Review status: criteria provided, single submitter. Criteria: ACMG Guidelines, 2015. Collection method: clinical testing. Allele origin: germline. Affected: yes.
Comment: The variant is not observed in the gnomAD v2.1.1 dataset. Predicted Consequence/Location: Frameshift: predicted to result in a loss or disruption of normal protein function through nonsense-mediated decay (NMD) or protein truncation. Multiple pathogenic variants are reported downstream of the variant. Regardless of the mechanism, a variant called homozygous is by default in trans. The variant has been reported to be associated with LRBA related disorder (PMID: 26745254). Therefore, this variant is classified as Pathogenic according to the recommendation of ACMG/AMP guideline.

Literature cited by the submitters: PubMed 26745254.

NM_001364905.1(LRBA):c.2447del (p.Pro816fs)

Gene: LRBA (LPS responsive beige-like anchor protein; minus strand). Cytogenetic location: 4q31.3.
Variant type: Deletion.
Coding change: c.2447del on transcript NM_001364905.1 (MANE Select); coding-DNA position 2447, one base deleted (C; older notation c.2447delC).
Protein change: p.Pro816fs; shifts the reading frame from proline 816.
Molecular consequence: frameshift variant.
Genome position (GRCh38, 1-based): chr4:150,870,527, G deleted on the plus strand (C on the coding strand, the reverse complement: LRBA is on the minus strand); the first of 3 consecutive G bases (chr4:150,870,527-150,870,529); deleting any one gives the same sequence. VCF-style (leftmost placement, unchanged base first): chr4-150870526-AG-A. GRCh37 (hg19) VCF-style: chr4-151791678-AG-A.
Other names: c.2447del, p.Pro816fs (NM_001367550.1); c.2445delC, p.Pro816Leufs (NM_006726.5, NM_001199282.3); short protein forms P816fs.
Identifiers: ClinVar variation 3775540 (VCV003775540.1).